The following is an entry in ClinVar:

ClinVar aggregate classification (germline): Likely benign (1 of 4 stars; one submission).

Allele frequency attached by ClinVar (database versions not stated): 1000 Genomes Project 30x 0.00031; 1000 Genomes Project 0.00040; TOPMed 0.00041; ESP Exome Variant Server 0.00054; gnomAD 0.00057.
gnomAD v4.1: 1,576 of 1,613,384 alleles (0.098%); highest among the groups gnomAD compares: South Asian, 0.44%; 10 homozygotes.

Submission:

CeGaT Center for Human Genetics Tuebingen
Classification: Likely benign. Last evaluated: 2024-05-01. Review status: criteria provided, single submitter. Criteria: CeGaT Center For Human Genetics Tuebingen Variant Classification Criteria Version 2. Collection method: clinical testing. Allele origin: germline. Affected: yes. Observed: 1 variant allele.
Comment: FLG: BP4, BS2

NM_002016.2(FLG):c.10178A>G (p.His3393Arg)

Genes: CCDST (cervical cancer associated DHX9 suppressive transcript; plus strand), FLG (filaggrin; minus strand). Cytogenetic location: 1q21.3.
Variant type: single nucleotide variant.
Coding change: c.10178A>G on transcript NM_002016.2 (MANE Select); coding-DNA position 10178, A replaced by G.
Protein change: p.His3393Arg; replaces histidine 3393 with arginine.
Molecular consequence: missense variant.
Genome position (GRCh38, 1-based): chr1:152,304,708, T>C on the plus strand (A>G on the coding strand, the complement: FLG is on the minus strand). VCF-style: chr1-152304708-T-C. GRCh37 (hg19) VCF-style: chr1-152277184-T-C.
Other names: short protein forms H3393R.
Identifiers: ClinVar variation 3239037 (VCV003239037.19), dbSNP rs146234375.
Genomic context (GRCh38, chr1:152,304,708, plus strand): 5'-GATCCTTGTCTTCGTCCAGTGCTGGTCCTGGTCCGCCCATGGGCAGACTCAGACTGTTCA[T>C]GAGTGCTCACCTGGTAGAGGAAAGACCCTGAACGTCCAGACCTTCCCCCTGACCGGTCAC-3'
Protein context (NP_002007.1, residues 3383-3403): SGSFLYQVST[His3393Arg]EQSESAHGRT